The following is an entry in ClinVar:

ClinVar aggregate classification (germline): Likely benign (1 of 4 stars; one submission).

Conditions:
SPEG-related disorder. Also called: SPEG-related condition.

Submission:

PreventionGenetics, part of Exact Sciences
Classification: Likely benign for SPEG-related condition. Last evaluated: 2026-07-09. Review status: criteria provided, single submitter. Criteria: ACMG Guidelines, 2015. Collection method: clinical testing. Allele origin: germline.
Comment: This variant is classified as likely benign based on ACMG/AMP sequence variant interpretation guidelines (Richards et al. 2015 PMID: 25741868, with internal and published modifications).

NM_005876.5(SPEG):c.693G>A (p.Val231=)

Gene: SPEG (striated muscle enriched protein kinase; plus strand). Cytogenetic location: 2q35.
Variant type: single nucleotide variant.
Coding change: c.693G>A on transcript NM_005876.5 (MANE Select); coding-DNA position 693, G replaced by A.
Protein change: p.Val231=; no amino-acid change (valine 231 retained).
Molecular consequence: synonymous variant. On other transcripts: intron variant (6).
Genome position (GRCh38, 1-based): chr2:219,445,039, G>A. VCF-style: chr2-219445039-G-A. GRCh37 (hg19) VCF-style: chr2-220309761-G-A.
Other names: c.723G>A, p.Val241= (NM_001438924.1); c.411G>A, p.Val137= (NM_001438926.1, NM_001438929.1); c.381G>A, p.Val127= (NM_001438927.1); c.354G>A, p.Val118= (NM_001438931.1); c.638+55G>A (NM_001438925.1); c.356+55G>A (NM_001438928.1, NM_001438933.1); c.326+55G>A (NM_001438930.1, NM_001438934.1); c.269+55G>A (NM_001438932.1).
Identifiers: ClinVar variation 4980292 (VCV004980292.1).